The following is an entry in ClinVar:

NM_173560.4(RFX6):c.2593T>A (p.Cys865Ser)

Gene: RFX6 (regulatory factor X6; plus strand). Cytogenetic location: 6q22.1.
Variant type: single nucleotide variant.
Coding change: c.2593T>A on transcript NM_173560.4 (MANE Select); coding-DNA position 2593, T replaced by A.
Protein change: p.Cys865Ser; replaces cysteine 865 with serine.
Molecular consequence: missense variant.
Genome position (GRCh38, 1-based): chr6:116,928,953, T>A. VCF-style: chr6-116928953-T-A. GRCh37 (hg19) VCF-style: chr6-117250116-T-A.
Other names: short protein forms C865S.
Identifiers: ClinVar variation 3691135 (VCV003691135.2).

ClinVar aggregate classification (germline): Uncertain significance (1 of 4 stars; one submission).

gnomAD v4.1: 3 of 1,608,662 alleles (0.00019%); highest among the groups gnomAD compares: Non-Finnish European, 0.00026%; no homozygotes.

Submission:

Labcorp Genetics (formerly Invitae), Labcorp
Classification: Uncertain significance. Last evaluated: 2024-05-15. Review status: criteria provided, single submitter. Criteria: Invitae Variant Classification Sherloc (09022015). Collection method: clinical testing. Allele origin: germline.
Comment: This sequence change replaces cysteine, which is neutral and slightly polar, with serine, which is neutral and polar, at codon 865 of the RFX6 protein (p.Cys865Ser). This variant is present in population databases (rs777683481, gnomAD 0.0009%). This variant has not been reported in the literature in individuals affected with RFX6-related conditions. An algorithm developed to predict the effect of missense changes on protein structure and function (PolyPhen-2) suggests that this variant is likely to be tolerated. In summary, the available evidence is currently insufficient to determine the role of this variant in disease. Therefore, it has been classified as a Variant of Uncertain Significance.